The following is an entry in ClinVar:

ClinVar aggregate classification (germline): Likely benign (1 of 4 stars; one submission).

gnomAD v4.1: 4 of 1,614,226 alleles (0.00025%); highest among the groups gnomAD compares: South Asian, 0.0011%; no homozygotes.

Submission:

CeGaT Center for Human Genetics Tuebingen
Classification: Likely benign. Last evaluated: 2024-07-01. Review status: criteria provided, single submitter. Criteria: CeGaT Center For Human Genetics Tuebingen Variant Classification Criteria Version 2. Collection method: clinical testing. Allele origin: germline. Affected: yes. Observed: 1 variant allele.
Comment: TOPORS: BP4, BP7

NM_005802.5(TOPORS):c.3045T>C (p.Ile1015=)

Gene: TOPORS (TOP1 binding arginine/serine rich protein, E3 ubiquitin ligase; minus strand). Cytogenetic location: 9p21.1.
Variant type: single nucleotide variant.
Coding change: c.3045T>C on transcript NM_005802.5 (MANE Select); coding-DNA position 3045, T replaced by C.
Protein change: p.Ile1015=; no amino-acid change (isoleucine 1015 retained).
Molecular consequence: synonymous variant.
Genome position (GRCh38, 1-based): chr9:32,541,480, A>G on the plus strand (T>C on the coding strand, the complement: TOPORS is on the minus strand). VCF-style: chr9-32541480-A-G. GRCh37 (hg19) VCF-style: chr9-32541478-A-G.
Other names: c.2850T>C, p.Ile950= (NM_001195622.2).
Identifiers: ClinVar variation 3257255 (VCV003257255.17).
Genomic context (GRCh38, chr9:32,541,480, plus strand): 5'-TGACATTAATGATGTCCGTGGCGATGGCAATTGCCTTGATGGCTCAGTTTGAAGAGACAC[A>G]ATGTTACTGGGCTGGTTCTCCAAATCAGAAACAAAGGTGCTCTCTTCTCTTACATCGAGA-3'
Protein context (NP_005793.2, residues 1005-1025): VSDLENQPSN[Ile1015=]VSLQTEPSRQ